The following is an entry in ClinVar:

NM_001453.3(FOXC1):c.1621C>G (p.Arg541Gly)

Gene: FOXC1 (forkhead box C1; plus strand). Cytogenetic location: 6p25.3.
Variant type: single nucleotide variant.
Coding change: c.1621C>G on transcript NM_001453.3 (MANE Select); coding-DNA position 1621, C replaced by G.
Protein change: p.Arg541Gly; replaces arginine 541 with glycine.
Molecular consequence: missense variant.
Genome position (GRCh38, 1-based): chr6:1,612,066, C>G. VCF-style: chr6-1612066-C-G. GRCh37 (hg19) VCF-style: chr6-1612301-C-G.
Other names: short protein forms R541G.
Identifiers: ClinVar variation 1304300 (VCV001304300.2), dbSNP rs2113115309, ClinGen allele CA362561321.
Genomic context (GRCh38, chr6:1,612,066, plus strand): 5'-TCTCCAGTGAACGGGAATAGTAGCTGTCAAATGGCCTTCCCTTCCAGCCAGTCTCTGTAC[C>G]GCACGTCCGGAGCTTTCGTCTACGACTGTAGCAAGTTTTGACACACCCTCAAAGCCGAAC-3'
Protein context (NP_001444.2, residues 531-551): MAFPSSQSLY[Arg541Gly]TSGAFVYDCS

ClinVar aggregate classification (germline): Uncertain significance (1 of 4 stars; one submission).

Submission:

GeneDx
Classification: Uncertain significance. Last evaluated: 2019-01-09. Review status: criteria provided, single submitter. Criteria: GeneDx Variant Classification Process June 2021. Collection method: clinical testing. Allele origin: germline. Affected: yes.
Comment: Not observed in large population cohorts (Lek et al., 2016); In silico analysis, which includes protein predictors and evolutionary conservation, supports a deleterious effect; Has not been previously published as pathogenic or benign to our knowledge